The following is an entry in ClinVar:

ClinVar aggregate classification (germline): Uncertain significance (1 of 4 stars; one submission).

Conditions:
Myopathy, centronuclear, 2 (CNM2). Also called: MYOTUBULAR MYOPATHY, AUTOSOMAL RECESSIVE. Identifiers: Orphanet 169186, MedGen CN031787, MONDO:0009709, OMIM 255200.

gnomAD v4.1: 19 of 1,614,186 alleles (0.0012%); highest among the groups gnomAD compares: Non-Finnish European, 0.0016%; no homozygotes.

Submission:

Labcorp Genetics (formerly Invitae), Labcorp
Classification: Uncertain significance for Myopathy, centronuclear, 2. Last evaluated: 2025-05-13. Review status: criteria provided, single submitter. Criteria: Invitae Variant Classification Sherloc (09022015). Collection method: clinical testing. Allele origin: germline.
Comment: This sequence change affects codon 55 of the BIN1 mRNA. It is a 'silent' change, meaning that it does not change the encoded amino acid sequence of the BIN1 protein. This variant also falls at the last nucleotide of exon 2, which is part of the consensus splice site for this exon. This variant is present in population databases (no rsID available, gnomAD 0.0009%). This variant has not been reported in the literature in individuals affected with BIN1-related conditions. Variants that disrupt the consensus splice site are a relatively common cause of aberrant splicing (PMID: 17576681, 9536098). Algorithms developed to predict the effect of sequence changes on RNA splicing suggest that this variant is not likely to affect RNA splicing. In summary, the available evidence is currently insufficient to determine the role of this variant in disease. Therefore, it has been classified as a Variant of Uncertain Significance.

Literature cited by the submitters: PubMed 17576681; PubMed 9536098.

NM_139343.3(BIN1):c.165G>T (p.Leu55=)

Gene: BIN1 (bridging integrator 1; minus strand). Cytogenetic location: 2q14.3.
Variant type: single nucleotide variant.
Coding change: c.165G>T on transcript NM_139343.3 (MANE Select); coding-DNA position 165, G replaced by T.
Protein change: p.Leu55=; no amino-acid change (leucine 55 retained).
Molecular consequence: synonymous variant.
Genome position (GRCh38, 1-based): chr2:127,076,626, C>A on the plus strand (G>T on the coding strand, the complement: BIN1 is on the minus strand). VCF-style: chr2-127076626-C-A. GRCh37 (hg19) VCF-style: chr2-127834202-C-A.
Other names: c.165G>T, p.Leu55= (NM_001320632.2, NM_001320633.2, NM_001320640.2 and 10 more transcripts); c.93G>T, p.Leu31= (NM_001320634.1); c.84G>T, p.Leu28= (NM_001320642.1).
Identifiers: ClinVar variation 4738977 (VCV004738977.1).